The following is an entry in ClinVar:

ClinVar aggregate classification (germline): Pathogenic/Likely pathogenic. Review status: criteria provided, multiple submitters, no conflicts (2 of 4 stars). 4 submissions from 4 submitters: Pathogenic (1); Likely pathogenic (3). Last evaluated 2025-12-05.

Conditions:
RAD50-related disorder. Also called: RAD50-related condition.
Nijmegen breakage syndrome-like disorder (NBSLD). Also called: MICROCEPHALY AND SPONTANEOUS CHROMOSOME INSTABILITY WITHOUT IMMUNODEFICIENCY; NBS-LIKE DISORDER; RAD50 DEFICIENCY. Identifiers: Orphanet 240760, MedGen C2751318, MONDO:0013118, OMIM 613078.
Hereditary cancer-predisposing syndrome. Also called: Neoplastic Syndromes, Hereditary; Tumor predisposition; Hereditary Cancer Syndrome; Hereditary neoplastic syndrome. Identifiers: Orphanet 140162, MedGen C0027672, MeSH D009386, MONDO:0015356.

Allele frequency attached by ClinVar (database versions not stated): gnomAD exomes below 0.00001; ExAC 0.00001.
gnomAD v4.1: 4 of 1,613,924 alleles (0.00025%); highest among the groups gnomAD compares: Non-Finnish European, 0.00034%; no homozygotes.

Submissions (4):

Labcorp Genetics (formerly Invitae), Labcorp
Classification: Likely pathogenic for Hereditary cancer-predisposing syndrome. Last evaluated: 2025-12-05. Review status: criteria provided, single submitter. Criteria: Invitae Variant Classification Sherloc (09022015). Collection method: clinical testing. Allele origin: germline.
Comment: This sequence change affects a donor splice site in intron 21 of the RAD50 gene. It is expected to disrupt RNA splicing. Variants that disrupt the donor or acceptor splice site typically lead to a loss of protein function (PMID: 16199547), and loss-of-function variants in RAD50 are known to be pathogenic (PMID: 19409520). This variant is present in population databases (rs762648843, gnomAD 0.0009%). Disruption of this splice site has been observed in individual(s) with head and neck squamous cell carcinoma (PMID: 26689913). ClinVar contains an entry for this variant (Variation ID: 234165). Studies have shown that disruption of this splice site is associated with inconclusive levels of altered splicing (internal data). In summary, the currently available evidence indicates that the variant is pathogenic, but additional data are needed to prove that conclusively. Therefore, this variant has been classified as Likely Pathogenic.

Ambry Genetics
Classification: Likely pathogenic for Hereditary cancer-predisposing syndrome. Last evaluated: 2024-01-24. Review status: criteria provided, single submitter. Criteria: Ambry Variant Classification Scheme 2023. Collection method: clinical testing. Allele origin: germline.
Comment: The c.3389+1G>A intronic variant results from a G to A substitution one nucleotide after coding exon 21 of the RAD50 gene. This nucleotide position is highly conserved in available vertebrate species. In silico splice site analysis predicts that this alteration will weaken the native splice donor site. Alterations that disrupt the canonical splice site are expected to cause aberrant splicing, resulting in an abnormal protein or a transcript that is subject to nonsense-mediated mRNA decay. As such, this alteration is classified as likely pathogenic.

PreventionGenetics, part of Exact Sciences
Classification: Likely pathogenic for RAD50-related condition. Last evaluated: 2023-09-05. Review status: criteria provided, single submitter. Criteria: ACMG Guidelines, 2015. Collection method: clinical testing. Allele origin: germline.
Comment: The RAD50 c.3389+1G>A variant is predicted to disrupt the GT donor site and interfere with normal splicing. This variant was reported in an individual with head and neck squamous cell carcinoma (HNSC) (Supplementary Data 2, Lu et al. 2015. PubMed ID: 26689913). This variant is reported in 0.00088% of alleles in individuals of European (Non-Finnish) descent in gnomAD. Variants that disrupt the consensus splice donor site in RAD50 are expected to be pathogenic. This variant is interpreted as likely pathogenic.

Revvity Omics, Revvity
Classification: Pathogenic for Nijmegen breakage syndrome-like disorder. Last evaluated: 2019-01-04. Review status: criteria provided, single submitter. Criteria: ACMG Guidelines, 2015. Collection method: clinical testing. Allele origin: germline.

Literature cited by the submitters: PubMed 16199547 (cited by Labcorp Genetics (formerly Invitae), Labcorp); PubMed 19409520 (cited by Labcorp Genetics (formerly Invitae), Labcorp); PubMed 26689913 (cited by Labcorp Genetics (formerly Invitae), Labcorp).

NM_005732.4(RAD50):c.3389+1G>A

Gene: RAD50 (RAD50 double strand break repair protein; plus strand). Cytogenetic location: 5q31.1.
Variant type: single nucleotide variant.
Coding change: c.3389+1G>A on transcript NM_005732.4 (MANE Select); the canonical splice donor site of the intron after coding-DNA position 3389, G replaced by A.
Molecular consequence: splice donor variant.
Genome position (GRCh38, 1-based): chr5:132,618,295, G>A. VCF-style: chr5-132618295-G-A. GRCh37 (hg19) VCF-style: chr5-131953987-G-A.
Identifiers: ClinVar variation 234165 (VCV000234165.18), dbSNP rs762648843, ClinGen allele CA3405562.
Genomic context (GRCh38, chr5:132,618,295, plus strand): 5'-TATGAGGACAACAGAACTTGTGAACAAGGATCTGGATATTTATTATAAGACTCTTGACCA[G>A]TAAGTATTAGACTGGGGATTTTCTTATTGCAGTTAATATTAACTAACATACTTTAGTCAT-3'